The following is an entry in ClinVar:

ClinVar aggregate classification (germline): Likely benign. Review status: criteria provided, single submitter (1 of 4 stars). 2 submissions from 2 submitters: Likely benign (1). 1 of the submissions does not count toward it. Last evaluated 2025-04-07.

Conditions:
RASopathy. Also called: rasopathies; Noonan spectrum disorder. Identifiers: Orphanet 536391, MedGen C5555857, MONDO:0021060.

Allele frequency attached by ClinVar (database versions not stated): gnomAD exomes 0.00001 and below 0.00001; gnomAD 0.00001; ExAC 0.00001.
gnomAD v4.1: 5 of 1,613,784 alleles (0.00031%); highest among the groups gnomAD compares: African/African-American, 0.0013%; no homozygotes.

Submissions (2):

Labcorp Genetics (formerly Invitae), Labcorp
Classification: Likely benign for RASopathy. Last evaluated: 2025-04-07. Review status: criteria provided, single submitter. Criteria: Invitae Variant Classification Sherloc (09022015). Collection method: clinical testing. Allele origin: germline.

ITMI
No classification provided. Condition: AllHighlyPenetrant. Last evaluated: 2013-09-19. Review status: no classification provided. Collection method: reference population. Allele origin: germline. Not counted in ClinVar's aggregate classification.
Comment: Please see associated publication for description of ethnicities

Literature cited by the submitters: PubMed 24728327 (cited by ITMI).

NM_005188.4(CBL):c.271A>G (p.Thr91Ala)

Gene: CBL (Cbl proto-oncogene; plus strand). Cytogenetic location: 11q23.3.
Variant type: single nucleotide variant.
Coding change: c.271A>G on transcript NM_005188.4 (MANE Select); coding-DNA position 271, A replaced by G.
Protein change: p.Thr91Ala; replaces threonine 91 with alanine.
Molecular consequence: missense variant.
Genome position (GRCh38, 1-based): chr11:119,232,523, A>G. VCF-style: chr11-119232523-A-G. GRCh37 (hg19) VCF-style: chr11-119103233-A-G.
Other names: short protein forms T91A.
Identifiers: ClinVar variation 133814 (VCV000133814.4), dbSNP rs587778160, ClinGen allele CA157872.